The following is an entry in ClinVar:

NM_001558.4(IL10RA):c.1537A>G (p.Thr513Ala)

Gene: IL10RA (interleukin 10 receptor subunit alpha; plus strand). Cytogenetic location: 11q23.3.
Variant type: single nucleotide variant.
Coding change: c.1537A>G on transcript NM_001558.4 (MANE Select); coding-DNA position 1537, A replaced by G.
Protein change: p.Thr513Ala; replaces threonine 513 with alanine.
Molecular consequence: missense variant. On other transcripts: non-coding transcript variant (1).
Genome position (GRCh38, 1-based): chr11:117,999,441, A>G. VCF-style: chr11-117999441-A-G. GRCh37 (hg19) VCF-style: chr11-117870156-A-G.
Other names: short protein forms T513A.
Identifiers: ClinVar variation 1047206 (VCV001047206.6), dbSNP rs376393999, ClinGen allele CA6299203.
Genomic context (GRCh38, chr11:117,999,441, plus strand): 5'-GCCAAGGGCTATTTGAAACAGGATCCTCTAGAAATGACTCTGGCTTCCTCAGGGGCCCCA[A>G]CGGGACAGTGGAACCAGCCCACTGAGGAATGGTCACTCCTGGCCTTGAGCAGCTGCAGTG-3'
Protein context (NP_001549.2, residues 503-523): EMTLASSGAP[Thr513Ala]GQWNQPTEEW

ClinVar aggregate classification (germline): Uncertain significance (1 of 4 stars; one submission).

Conditions:
Inflammatory bowel disease 28. Also called: Inflammatory bowel disease 28, early onset, autosomal recessive. Identifiers: Orphanet 238569, MedGen C2751053, MONDO:0013153, OMIM 613148.

Allele frequency attached by ClinVar (database versions not stated): gnomAD exomes 0.00001; ExAC 0.00002; gnomAD 0.00002; TOPMed 0.00002; ESP Exome Variant Server 0.00008.

Submission:

Labcorp Genetics (formerly Invitae), Labcorp
Classification: Uncertain significance for Inflammatory bowel disease 28. Last evaluated: 2021-08-30. Review status: criteria provided, single submitter. Criteria: Invitae Variant Classification Sherloc (09022015). Collection method: clinical testing. Allele origin: germline.
Comment: This sequence change replaces threonine with alanine at codon 513 of the IL10RA protein (p.Thr513Ala). The threonine residue is weakly conserved and there is a small physicochemical difference between threonine and alanine. This variant is present in population databases (rs376393999, ExAC 0.01%). This variant has not been reported in the literature in individuals affected with IL10RA-related conditions. Algorithms developed to predict the effect of missense changes on protein structure and function output the following: SIFT: "Tolerated"; PolyPhen-2: "Benign"; Align-GVGD: "Class C0". The alanine amino acid residue is found in multiple mammalian species, which suggests that this missense change does not adversely affect protein function. In summary, the available evidence is currently insufficient to determine the role of this variant in disease. Therefore, it has been classified as a Variant of Uncertain Significance.